The following is an entry in ClinVar:

ClinVar aggregate classification (germline): Uncertain significance (1 of 4 stars; one submission).

Conditions:
Isolated cleft palate. Also called: nonsyndromic cleft palate. Identifiers: Orphanet 2014, MedGen C1837218, MONDO:0007336, OMIM 119540.

Allele frequency attached by ClinVar (database versions not stated): gnomAD exomes 0.00001; TOPMed 0.00001.

Submission:

Institute of Human Genetics, University of Leipzig Medical Center
Classification: Uncertain significance for Isolated cleft palate. Last evaluated: 2026-04-01. Review status: criteria provided, single submitter. Criteria: ACMG Guidelines, 2015. Collection method: clinical testing. Allele origin: maternal. Inheritance: Autosomal dominant inheritance. Affected: yes.
Comment: Criteria applied: PP2

NM_004815.4(ARHGAP29):c.1865C>T (p.Thr622Met)

Gene: ARHGAP29 (Rho GTPase activating protein 29; minus strand). Cytogenetic location: 1p22.1.
Variant type: single nucleotide variant.
Coding change: c.1865C>T on transcript NM_004815.4 (MANE Select); coding-DNA position 1865, C replaced by T.
Protein change: p.Thr622Met; replaces threonine 622 with methionine.
Molecular consequence: missense variant.
Genome position (GRCh38, 1-based): chr1:94,185,397, G>A on the plus strand (C>T on the coding strand, the complement: ARHGAP29 is on the minus strand). VCF-style: chr1-94185397-G-A. GRCh37 (hg19) VCF-style: chr1-94650953-G-A.
Other names: c.1865C>T, p.Thr622Met (NM_001328664.2); c.1673C>T, p.Thr558Met (NM_001328665.2, NM_001328667.2); c.1838C>T, p.Thr613Met (NM_001328666.2); short protein forms T558M, T613M, T622M.
Identifiers: ClinVar variation 1338788 (VCV001338788.2), dbSNP rs901902219, ClinGen allele CA26847311.